The following is an entry in ClinVar:

NM_024596.5(MCPH1):c.2214+1G>A

Genes: ANGPT2 (angiopoietin 2; minus strand), MCPH1 (microcephalin 1; plus strand). Cytogenetic location: 8p23.1.
Variant type: single nucleotide variant.
Coding change: c.2214+1G>A on transcript NM_024596.5 (MANE Select); the canonical splice donor site of the intron after coding-DNA position 2214, G replaced by A.
Molecular consequence: splice donor variant. On other transcripts: 3 prime UTR variant (6), intron variant (1).
Genome position (GRCh38, 1-based): chr8:6,499,930, G>A. VCF-style: chr8-6499930-G-A. GRCh37 (hg19) VCF-style: chr8-6357451-G-A.
Other names: c.*3171C>T (NM_001118887.2, NM_001118888.2, NM_001147.3 and 1 more transcripts); c.*3319C>T (NM_001386336.1, NM_001386337.1); c.2214+1G>A (NM_001322042.2, NM_001363979.1, NM_001410917.1 and 1 more transcripts); c.1935+44678G>A (NM_001363980.2).
Identifiers: ClinVar variation 2431739 (VCV002431739.1), dbSNP rs772838513, ClinGen allele CA4610863.

ClinVar aggregate classification (germline): Likely pathogenic (1 of 4 stars; one submission).

Conditions:
Microcephaly 1, primary, autosomal recessive (MCPH1). Also called: PREMATURE CHROMOSOME CONDENSATION SYNDROME; PCC SYNDROME; PREMATURE CHROMOSOME CONDENSATION WITH MICROCEPHALY AND MENTAL RETARDATION. Identifiers: Orphanet 2512, MedGen C1855081, MONDO:0009617, OMIM 251200.

Allele frequency attached by ClinVar (database versions not stated): ExAC 0.00003; gnomAD 0.00003; 1000 Genomes Project 30x 0.00016.
gnomAD v4.1: 30 of 1,612,942 alleles (0.0019%); highest among the groups gnomAD compares: East Asian, 0.027%; no homozygotes.

Submission:

Laboratorio de Genetica e Diagnostico Molecular, Hospital Israelita Albert Einstein
Classification: Likely pathogenic for Microcephaly 1, primary, autosomal recessive. Last evaluated: 2022-04-01. Review status: criteria provided, single submitter. Criteria: ACMG Guidelines, 2015. Collection method: clinical testing. Allele origin: germline. Affected: yes. Observed: 1 variant allele.
Comment: ACMG classification criteria: PVS1 strong, PM2 moderated